The following is an entry in ClinVar:

ClinVar aggregate classification (germline): Uncertain significance (1 of 4 stars; one submission).

Conditions:
Seizures, benign familial infantile, 3 (BFIS3). Also called: Familial neonatal seizures; CONVULSIONS, BENIGN FAMILIAL INFANTILE, 3. Identifiers: Orphanet 140927, Orphanet 306, MedGen C1843140, MONDO:0011904, OMIM 607745.
Developmental and epileptic encephalopathy, 11 (DEE11). Also called: Early infantile epileptic encephalopathy 11. Identifiers: Orphanet 1934, MedGen C3150987, MONDO:0013388, OMIM 613721.

Allele frequency attached by ClinVar (database versions not stated): gnomAD 0.00001; ExAC 0.00001.
gnomAD v4.1: 2 of 1,613,196 alleles (0.00012%); highest among the groups gnomAD compares: Non-Finnish European, 0.00017%; no homozygotes.

Submission:

Labcorp Genetics (formerly Invitae), Labcorp
Classification: Uncertain significance for Seizures, benign familial infantile, 3; Developmental and epileptic encephalopathy, 11. Last evaluated: 2023-06-18. Review status: criteria provided, single submitter. Criteria: Invitae Variant Classification Sherloc (09022015). Collection method: clinical testing. Allele origin: germline.
Comment: Advanced modeling of protein sequence and biophysical properties (such as structural, functional, and spatial information, amino acid conservation, physicochemical variation, residue mobility, and thermodynamic stability) performed at Invitae indicates that this missense variant is expected to disrupt SCN2A protein function. In summary, the available evidence is currently insufficient to determine the role of this variant in disease. Therefore, it has been classified as a Variant of Uncertain Significance. ClinVar contains an entry for this variant (Variation ID: 1378422). This variant has not been reported in the literature in individuals affected with SCN2A-related conditions. This variant is present in population databases (rs140661535, gnomAD 0.002%). This sequence change replaces serine, which is neutral and polar, with tyrosine, which is neutral and polar, at codon 495 of the SCN2A protein (p.Ser495Tyr).

NM_001040142.2(SCN2A):c.1484C>A (p.Ser495Tyr)

Gene: SCN2A (sodium voltage-gated channel alpha subunit 2; plus strand). Cytogenetic location: 2q24.3.
Variant type: single nucleotide variant.
Coding change: c.1484C>A on transcript NM_001040142.2 (MANE Select); coding-DNA position 1484, C replaced by A.
Protein change: p.Ser495Tyr; replaces serine 495 with tyrosine.
Molecular consequence: missense variant.
Genome position (GRCh38, 1-based): chr2:165,315,571, C>A. VCF-style: chr2-165315571-C-A. GRCh37 (hg19) VCF-style: chr2-166172081-C-A.
Other names: c.1484C>A, p.Ser495Tyr (NM_001040143.2, NM_001371246.1, NM_001371247.1 and 1 more transcripts); short protein forms S495Y.
Identifiers: ClinVar variation 1378422 (VCV001378422.6), dbSNP rs140661535, ClinGen allele CA1939833.